The following is an entry in ClinVar:

ClinVar aggregate classification (germline): Uncertain significance (1 of 4 stars; one submission).

Conditions:
Cardiovascular phenotype. Identifiers: MedGen CN230736.

gnomAD v4.1: 1 of 1,613,894 alleles (0.000062%); highest among the groups gnomAD compares: Non-Finnish European, 0.000085%; no homozygotes.

Submission:

Ambry Genetics
Classification: Uncertain significance for Cardiovascular phenotype. Last evaluated: 2026-06-03. Review status: criteria provided, single submitter. Criteria: Ambry Variant Classification Scheme 2023. Collection method: clinical testing. Allele origin: germline.
Comment: The p.F99L variant (also known as c.295T>C), located in coding exon 3 of the SPRED1 gene, results from a T to C substitution at nucleotide position 295. The phenylalanine at codon 99 is replaced by leucine, an amino acid with highly similar properties. This amino acid position is conserved. In addition, this alteration is predicted to be deleterious by in silico analysis. Based on the available evidence, the clinical significance of this variant remains unclear.

NM_152594.3(SPRED1):c.295T>C (p.Phe99Leu)

Gene: SPRED1 (sprouty related EVH1 domain containing 1; plus strand). Cytogenetic location: 15q14.
Variant type: single nucleotide variant.
Coding change: c.295T>C on transcript NM_152594.3 (MANE Select); coding-DNA position 295, T replaced by C.
Protein change: p.Phe99Leu; replaces phenylalanine 99 with leucine.
Molecular consequence: missense variant.
Genome position (GRCh38, 1-based): chr15:38,322,328, T>C. VCF-style: chr15-38322328-T-C. GRCh37 (hg19) VCF-style: chr15-38614529-T-C.
Other names: short protein forms F99L.
Identifiers: ClinVar variation 4865008 (VCV004865008.1).